The following is an entry in ClinVar:

NM_001376.5(DYNC1H1):c.11371A>G (p.Met3791Val)

Gene: DYNC1H1 (dynein cytoplasmic 1 heavy chain 1; plus strand). Cytogenetic location: 14q32.31.
Variant type: single nucleotide variant.
Coding change: c.11371A>G on transcript NM_001376.5 (MANE Select); coding-DNA position 11371, A replaced by G.
Protein change: p.Met3791Val; replaces methionine 3791 with valine.
Molecular consequence: missense variant.
Genome position (GRCh38, 1-based): chr14:102,039,165, A>G. VCF-style: chr14-102039165-A-G. GRCh37 (hg19) VCF-style: chr14-102505502-A-G.
Other names: short protein forms M3791V.
Identifiers: ClinVar variation 1951874 (VCV001951874.5), dbSNP rs2152594988, ClinGen allele CA391033599.

ClinVar aggregate classification (germline): Uncertain significance (1 of 4 stars; one submission).

Conditions:
Charcot-Marie-Tooth disease axonal type 2O. Also called: CHARCOT-MARIE-TOOTH NEUROPATHY, AXONAL, TYPE 2O; CHARCOT-MARIE-TOOTH DISEASE, AXONAL, AUTOSOMAL DOMINANT, TYPE 2O; Charcot-Marie-Tooth Neuropathy Type 2O; Charcot-Marie-Tooth disease, axonal, type 20. Identifiers: Orphanet 284232, MedGen C3280220, MONDO:0013644, OMIM 614228.

Submission:

Labcorp Genetics (formerly Invitae), Labcorp
Classification: Uncertain significance for Charcot-Marie-Tooth disease axonal type 2O. Last evaluated: 2022-02-11. Review status: criteria provided, single submitter. Criteria: Invitae Variant Classification Sherloc (09022015). Collection method: clinical testing. Allele origin: germline.
Comment: In summary, the available evidence is currently insufficient to determine the role of this variant in disease. Therefore, it has been classified as a Variant of Uncertain Significance. Algorithms developed to predict the effect of missense changes on protein structure and function are either unavailable or do not agree on the potential impact of this missense change (SIFT: "Deleterious"; PolyPhen-2: "Possibly Damaging"; Align-GVGD: "Class C0"). This variant has not been reported in the literature in individuals affected with DYNC1H1-related conditions. This variant is not present in population databases (gnomAD no frequency). This sequence change replaces methionine, which is neutral and non-polar, with valine, which is neutral and non-polar, at codon 3791 of the DYNC1H1 protein (p.Met3791Val).